The following is an entry in ClinVar:

ClinVar aggregate classification (germline): Uncertain significance (1 of 4 stars; one submission).

Conditions:
Werner syndrome (WRN). Identifiers: Orphanet 902, MedGen C0043119, MONDO:0010196, OMIM 277700.

Submission:

Labcorp Genetics (formerly Invitae), Labcorp
Classification: Uncertain significance for Werner syndrome. Last evaluated: 2018-11-21. Review status: criteria provided, single submitter. Criteria: Invitae Variant Classification Sherloc (09022015). Collection method: clinical testing. Allele origin: germline.
Comment: In summary, the available evidence is currently insufficient to determine the role of this variant in disease. Therefore, it has been classified as a Variant of Uncertain Significance. Nucleotide substitutions within the consensus splice site are a relatively common cause of aberrant splicing (PMID: 17576681, 9536098). Algorithms developed to predict the effect of sequence changes on RNA splicing suggest that this variant may disrupt the consensus splice site, but this prediction has not been confirmed by published transcriptional studies. This variant has not been reported in the literature in individuals with WRN-related disease. This variant is not present in population databases (ExAC no frequency). This sequence change falls in intron 18 of the WRN gene. It does not directly change the encoded amino acid sequence of the WRN protein, but it affects a nucleotide within the consensus splice site of the intron.

Literature cited by the submitters: PubMed 17576681; PubMed 9536098.

NM_000553.6(WRN):c.2088+5G>T

Gene: WRN (WRN RecQ like helicase; plus strand). Cytogenetic location: 8p12.
Variant type: single nucleotide variant.
Coding change: c.2088+5G>T on transcript NM_000553.6 (MANE Select); 5 bases into the intron after coding-DNA position 2088, G replaced by T.
Molecular consequence: intron variant.
Genome position (GRCh38, 1-based): chr8:31,100,960, G>T. VCF-style: chr8-31100960-G-T. GRCh37 (hg19) VCF-style: chr8-30958476-G-T.
Identifiers: ClinVar variation 658789 (VCV000658789.5), dbSNP rs1585455825, ClinGen allele CA915945639.
Genomic context (GRCh38, chr8:31,100,960, plus strand): 5'-ATGATTTTAGGGATTCATTCAGGAAGTTGGGCTCCCTAAAGACAGCACTGCCAATGGTAA[G>T]CTTTGCCAAGTCTGATGTCCCGAAATTACATTCTTAATAAGGAGAGCATTCAGGATTGGG-3'